The following is an entry in ClinVar:

ClinVar aggregate classification (germline): Benign/Likely benign. Review status: criteria provided, multiple submitters, no conflicts (2 of 4 stars). 5 submissions from 4 submitters: Benign (1); Likely benign (4). Last evaluated 2026-02-02.

Conditions:
Laryngo-onycho-cutaneous syndrome (JEB2C). Also called: EPIDERMOLYSIS BULLOSA, JUNCTIONAL 2C, LARYNGOONYCHOCUTANEOUS; LOGIC SYNDROME; SHABBIR SYNDROME. Identifiers: Orphanet 2407, MedGen C1328355, MONDO:0009513, OMIM 245660.
Junctional epidermolysis bullosa gravis of Herlitz. Also called: Herlitz-type junctional epidermolysis bullosa; EPIDERMOLYSIS BULLOSA, JUNCTIONAL 1B, SEVERE; EPIDERMOLYSIS BULLOSA JUNCTIONALIS, HERLITZ TYPE; EPIDERMOLYSIS BULLOSA, JUNCTIONAL, HERLITZ-PEARSON TYPE; JEB-HERLITZ TYPE; Epidermolysis Bullosa Letalis. Identifiers: Orphanet 79404, MedGen C0079683, MONDO:0009182, OMIM 226700.

Allele frequency attached by ClinVar (database versions not stated): 1000 Genomes Project 30x 0.00016; 1000 Genomes Project 0.00020; gnomAD 0.00131 and 0.00134; TOPMed 0.00132; gnomAD exomes 0.00139; ESP Exome Variant Server 0.00154; ExAC 0.00170.
gnomAD v4.1: 3,255 of 1,614,020 alleles (0.2%); highest among the groups gnomAD compares: Non-Finnish European, 0.26%; 7 homozygotes.

Submissions (5):

Labcorp Genetics (formerly Invitae), Labcorp
Classification: Benign. Last evaluated: 2026-02-02. Review status: criteria provided, single submitter. Criteria: Invitae Variant Classification Sherloc (09022015). Collection method: clinical testing. Allele origin: germline.

Blueprint Genetics
Classification: Likely benign. Last evaluated: 2024-11-07. Review status: criteria provided, single submitter. Criteria: ACMG Guidelines, 2015. Collection method: clinical testing. Allele origin: germline.

Illumina Laboratory Services, Illumina
Classification: Likely benign for Laryngo-onycho-cutaneous syndrome. Last evaluated: 2018-01-13. Review status: criteria provided, single submitter. Criteria: ICSL Variant Classification Criteria 13 December 2019. Collection method: clinical testing. Allele origin: germline.
Comment: This variant was observed in the ICSL laboratory as part of a predisposition screen in an ostensibly healthy population. It had not been previously curated by ICSL or reported in the Human Gene Mutation Database (HGMD: prior to June 1st, 2018), and was therefore a candidate for classification through an automated scoring system. Utilizing variant allele frequency, disease prevalence and penetrance estimates, and inheritance mode, an automated score was calculated to assess if this variant is too frequent to cause the disease. Based on the score and internal cut-off values, a variant classified as likely benign is not then subjected to further curation. The score for this variant resulted in a classification of likely benign for this disease.

Illumina Laboratory Services, Illumina
Classification: Likely benign for Junctional epidermolysis bullosa gravis of Herlitz. Last evaluated: 2018-01-13. Review status: criteria provided, single submitter. Criteria: ICSL Variant Classification Criteria 13 December 2019. Collection method: clinical testing. Allele origin: germline.
Comment: the same text as in the submission from Illumina Laboratory Services, Illumina above.

Breakthrough Genomics
Classification: Likely benign. Review status: criteria provided, single submitter. Criteria: ACMG Guidelines, 2015. Collection method: not provided. Allele origin: germline. Inheritance: Autosomal recessive inheritance. Affected: yes.

NM_198129.4(LAMA3):c.7218C>T (p.Asp2406=)

Gene: LAMA3 (laminin subunit alpha 3; plus strand). Cytogenetic location: 18q11.2.
Variant type: single nucleotide variant.
Coding change: c.7218C>T on transcript NM_198129.4 (MANE Select); coding-DNA position 7218, C replaced by T.
Protein change: p.Asp2406=; no amino-acid change (aspartic acid 2406 retained).
Molecular consequence: synonymous variant.
Genome position (GRCh38, 1-based): chr18:23,912,770, C>T. VCF-style: chr18-23912770-C-T. GRCh37 (hg19) VCF-style: chr18-21492734-C-T.
Other names: c.2391C>T, p.Asp797= (NM_000227.6); c.7050C>T, p.Asp2350= (NM_001127717.4); c.2223C>T, p.Asp741= (NM_001127718.4).
Identifiers: ClinVar variation 326314 (VCV000326314.17), dbSNP rs62093184, ClinGen allele CA8916588.